The following is an entry in ClinVar:

ClinVar aggregate classification (germline): Likely benign. Review status: criteria provided, multiple submitters, no conflicts (2 of 4 stars). 4 submissions from 4 submitters: Likely benign (2). 2 of the submissions do not count toward it. Last evaluated 2024-08-19.

Conditions:
MHC class II deficiency. Also called: Bare lymphocyte syndrome 2; BLS, TYPE II. Identifiers: Orphanet 572, MedGen C5447452, MONDO:0008855.
CIITA-related disorder. Also called: CIITA-related condition.

Allele frequency attached by ClinVar (database versions not stated): TOPMed 0.00004; gnomAD 0.00006.
gnomAD v4.1: 112 of 1,613,910 alleles (0.0069%); highest among the groups gnomAD compares: Middle Eastern, 0.016%; no homozygotes.

Submissions (4):

Labcorp Genetics (formerly Invitae), Labcorp
Classification: Likely benign for MHC class II deficiency. Last evaluated: 2024-08-19. Review status: criteria provided, single submitter. Criteria: Invitae Variant Classification Sherloc (09022015). Collection method: clinical testing. Allele origin: germline.

Blueprint Genetics
Classification: Likely benign. Last evaluated: 2021-10-15. Review status: criteria provided, single submitter. Criteria: ACMG Guidelines, 2015. Collection method: clinical testing. Allele origin: germline.

Natera, Inc.
Classification: Uncertain significance for Bare lymphocyte syndrome type II. Last evaluated: 2020-03-10. Review status: no assertion criteria provided. Collection method: clinical testing. Allele origin: germline. Not counted in ClinVar's aggregate classification.

PreventionGenetics, part of Exact Sciences
Classification: Likely benign for CIITA-related condition. Last evaluated: 2019-05-08. Review status: no assertion criteria provided. Collection method: clinical testing. Allele origin: germline. Not counted in ClinVar's aggregate classification.
Comment: This variant is classified as likely benign based on ACMG/AMP sequence variant interpretation guidelines (Richards et al. 2015 PMID: 25741868, with internal and published modifications).

NM_000246.4(CIITA):c.2832G>A (p.Ser944=)

Gene: CIITA (class II major histocompatibility complex transactivator; plus strand). Cytogenetic location: 16p13.13.
Variant type: single nucleotide variant.
Coding change: c.2832G>A on transcript NM_000246.4 (MANE Select); coding-DNA position 2832, G replaced by A.
Protein change: p.Ser944=; no amino-acid change (serine 944 retained).
Molecular consequence: synonymous variant. On other transcripts: non-coding transcript variant (1).
Genome position (GRCh38, 1-based): chr16:10,910,203, G>A. VCF-style: chr16-10910203-G-A. GRCh37 (hg19) VCF-style: chr16-11004060-G-A.
Other names: c.2835G>A, p.Ser945= (NM_001286402.1, NM_001379332.1); c.1080G>A, p.Ser360= (NM_001286403.2); c.2688G>A, p.Ser896= (NM_001379330.1); c.2685G>A, p.Ser895= (NM_001379331.1); c.2832G>A, p.Ser944= (NM_001379333.1); c.2763G>A, p.Ser921= (NM_001379334.1).
Identifiers: ClinVar variation 708737 (VCV000708737.14), dbSNP rs766538754, ClinGen allele CA7900524.